The following is an entry in ClinVar:

NM_005476.7(GNE):c.31C>T (p.Arg11Trp)

Gene: GNE (glucosamine (UDP-N-acetyl)-2-epimerase/N-acetylmannosamine kinase; minus strand). Cytogenetic location: 9p13.3.
Variant type: single nucleotide variant.
Coding change: c.31C>T on transcript NM_005476.7 (MANE Select); coding-DNA position 31, C replaced by T.
Protein change: p.Arg11Trp; replaces arginine 11 with tryptophan.
Molecular consequence: missense variant. On other transcripts: intron variant (3).
Genome position (GRCh38, 1-based): chr9:36,249,325, G>A on the plus strand (C>T on the coding strand, the complement: GNE is on the minus strand). VCF-style: chr9-36249325-G-A. GRCh37 (hg19) VCF-style: chr9-36249322-G-A.
Other names: c.124C>T, p.Arg42Trp (NM_001128227.3); c.31C>T, p.Arg11Trp (NM_001190383.3, NM_001374797.1); c.-13-2843C>T (NM_001190388.2, NM_001190384.3, NM_001374798.1); short protein forms R11W, R42W.
Identifiers: ClinVar variation 550820 (VCV000550820.16), dbSNP rs769716748, ClinGen allele CA5056777.
Genomic context (GRCh38, chr9:36,249,325, plus strand): 5'-CAAACATGATCGGGGCAAGTTTAGAATAATCTGCACGGTTACAAGTAGCAACACAAACCC[G>A]CAGCTTTCGGTTATTTCCATTCTTCTCCATGATTTGCTTGTTTCGTTTTGAGAGGTTCTT-3'
Protein context (NP_005467.1, residues 1-21): MEKNGNNRKL[Arg11Trp]VCVATCNRAD

ClinVar aggregate classification (germline): Pathogenic/Likely pathogenic. Review status: criteria provided, multiple submitters, no conflicts (2 of 4 stars). 7 submissions from 7 submitters: Pathogenic (2); Likely pathogenic (4). 1 of the submissions does not count toward it. Last evaluated 2026-01-16.

Conditions:
Sialuria. Also called: SIALURIA, FRENCH TYPE; Sialic Acid Storage Disease. Identifiers: Orphanet 3166, MedGen C0342853, MONDO:0010028, OMIM 269921.
GNE myopathy (NM). Also called: MYOPATHY, DISTAL, WITH OR WITHOUT RIMMED VACUOLES; IBM 2; Inclusion body myopathy autosomal recessive; Inclusion body myopathy quadriceps sparing; NONAKA DISTAL MYOPATHY; INCLUSION BODY MYOPATHY, HEREDITARY, AUTOSOMAL RECESSIVE. Identifiers: Orphanet 602, MedGen C1853926, MONDO:0011603, OMIM 605820.

Allele frequency attached by ClinVar (database versions not stated): ExAC 0.00001; gnomAD exomes 0.00001.
gnomAD v4.1: 10 of 1,613,782 alleles (0.00062%); highest among the groups gnomAD compares: Admixed American, 0.0017%; no homozygotes.

Submissions (7):

Natera, Inc.
Classification: Likely pathogenic for Nonaka myopathy. Last evaluated: 2026-01-16. Review status: criteria provided, single submitter. Criteria: Natera Variant Classification Schema (03/2026). Collection method: clinical testing. Allele origin: germline.
Comment: The c.124C>T variant in GNE is a missense variant predicted to cause substitution of arginine to tryptophan at amino acid 42. This variant is rare in the general population with a frequency below the threshold expected for the associated phenotype(s). This variant has been observed in one or more individuals affected with the associated recessive disease, as either homozygous or compound heterozygous with a second variant (PMID: 14972325, 25617006, 35138478). Additionally, this variant has been observed to segregate in affected family members (PMID: 25617006). Functional studies show that this variant may disrupt protein function (PMID: 17698786, 16503651). Computational prediction algorithms indicate this variant is likely to affect gene or protein function. Given the available evidence, this variant is classified as Likely Pathogenic.

Genetics and Genomic Medicine Centre, NeuroGen Healthcare, NeuroGen Healthcare
Classification: Pathogenic for GNE myopathy. Last evaluated: 2025-01-30. Review status: criteria provided, single submitter. Criteria: ACMG Guidelines, 2015. Collection method: clinical testing. Allele origin: unknown. Affected: yes.

Baylor Genetics
Classification: Likely pathogenic for GNE myopathy. Last evaluated: 2024-03-12. Review status: criteria provided, single submitter. Criteria: ACMG Guidelines, 2015. Collection method: clinical testing. Allele origin: unknown.

Labcorp Genetics (formerly Invitae), Labcorp
Classification: Pathogenic for Sialuria; GNE myopathy. Last evaluated: 2022-11-01. Review status: criteria provided, single submitter. Criteria: Invitae Variant Classification Sherloc (09022015). Collection method: clinical testing. Allele origin: germline.
Comment: For these reasons, this variant has been classified as Pathogenic. This variant disrupts the p.Arg42 amino acid residue in GNE. Other variant(s) that disrupt this residue have been determined to be pathogenic (Invitae). This suggests that this residue is clinically significant, and that variants that disrupt this residue are likely to be disease-causing. Experimental studies have shown that this missense change affects GNE function (PMID: 16503651). Algorithms developed to predict the effect of missense changes on protein structure and function (SIFT, PolyPhen-2, Align-GVGD) all suggest that this variant is likely to be disruptive. ClinVar contains an entry for this variant (Variation ID: 550820). This variant is also known as R11W. This missense change has been observed in individuals with distal myopathy (PMID: 14972325, 29480215, 33250842). This variant is present in population databases (rs769716748, gnomAD 0.003%). This sequence change replaces arginine, which is basic and polar, with tryptophan, which is neutral and slightly polar, at codon 42 of the GNE protein (p.Arg42Trp).

Laboratorio de Genetica e Diagnostico Molecular, Hospital Israelita Albert Einstein
Classification: Likely pathogenic for GNE myopathy. Last evaluated: 2022-09-16. Review status: criteria provided, single submitter. Criteria: ACMG Guidelines, 2015. Collection method: clinical testing. Allele origin: germline. Affected: yes.
Comment: ACMG classification criteria: PS3 supporting, PS4 moderated, PM2 moderated, PM3 moderated, PM5 moderated, PP3 supporting

Revvity Omics, Revvity
Classification: Likely pathogenic. Last evaluated: 2019-11-13. Review status: criteria provided, single submitter. Criteria: ACMG Guidelines, 2015. Collection method: clinical testing. Allele origin: germline.

Counsyl
Classification: Likely pathogenic for GNE myopathy. Last evaluated: 2017-02-22. Review status: no assertion criteria provided. Collection method: clinical testing. Allele origin: unknown. Not counted in ClinVar's aggregate classification.

Literature cited by the submitters: PubMed 14972325 (cited by 3 submitters); PubMed 25617006 (cited by Natera, Inc. and Counsyl); PubMed 35138478 (cited by Natera, Inc.); PubMed 17698786 (cited by Natera, Inc. and Counsyl); PubMed 16503651 (cited by 3 submitters); PubMed 29480215 (cited by Labcorp Genetics (formerly Invitae), Labcorp); PubMed 33250842 (cited by Labcorp Genetics (formerly Invitae), Labcorp).